The following is an entry in ClinVar:

ClinVar aggregate classification (germline): Uncertain significance (1 of 4 stars; one submission).

Allele frequency attached by ClinVar (database versions not stated): gnomAD 0.00001; gnomAD exomes 0.00001.
gnomAD v4.1: 7 of 1,613,944 alleles (0.00043%); highest among the groups gnomAD compares: African/African-American, 0.0013%; no homozygotes.

Submission:

Labcorp Genetics (formerly Invitae), Labcorp
Classification: Uncertain significance. Last evaluated: 2022-01-06. Review status: criteria provided, single submitter. Criteria: Invitae Variant Classification Sherloc (09022015). Collection method: clinical testing. Allele origin: germline.
Comment: Algorithms developed to predict the effect of missense changes on protein structure and function are either unavailable or do not agree on the potential impact of this missense change (SIFT: "Deleterious"; PolyPhen-2: "Probably Damaging"; Align-GVGD: "Class C0"). This variant has not been reported in the literature in individuals affected with MERTK-related conditions. This variant is present in population databases (no rsID available, gnomAD 0.0009%). This sequence change replaces methionine, which is neutral and non-polar, with leucine, which is neutral and non-polar, at codon 668 of the MERTK protein (p.Met668Leu). In summary, the available evidence is currently insufficient to determine the role of this variant in disease. Therefore, it has been classified as a Variant of Uncertain Significance.

NM_006343.3(MERTK):c.2002A>T (p.Met668Leu)

Gene: MERTK (MER proto-oncogene, tyrosine kinase; plus strand). Cytogenetic location: 2q13.
Variant type: single nucleotide variant.
Coding change: c.2002A>T on transcript NM_006343.3 (MANE Select); coding-DNA position 2002, A replaced by T.
Protein change: p.Met668Leu; replaces methionine 668 with leucine.
Molecular consequence: missense variant.
Genome position (GRCh38, 1-based): chr2:112,009,989, A>T. VCF-style: chr2-112009989-A-T. GRCh37 (hg19) VCF-style: chr2-112767566-A-T.
Other names: short protein forms M668L.
Identifiers: ClinVar variation 1470195 (VCV001470195.8), dbSNP rs967593506, ClinGen allele CA53583402.